The following is an entry in ClinVar:

NM_006363.6(SEC23B):c.82C>T (p.Arg28Trp)

Gene: SEC23B (SEC23 homolog B, COPII component; plus strand). Cytogenetic location: 20p11.23.
Variant type: single nucleotide variant.
Coding change: c.82C>T on transcript NM_006363.6 (MANE Select); coding-DNA position 82, C replaced by T.
Protein change: p.Arg28Trp; replaces arginine 28 with tryptophan.
Molecular consequence: missense variant.
Genome position (GRCh38, 1-based): chr20:18,510,917, C>T. VCF-style: chr20-18510917-C-T. GRCh37 (hg19) VCF-style: chr20-18491561-C-T.
Other names: c.82C>T, p.Arg28Trp (NM_001172745.3, NM_001172746.3, NM_032985.6 and 1 more transcripts); short protein forms R28W.
Identifiers: ClinVar variation 993624 (VCV000993624.11), dbSNP rs759146033, ClinGen allele CA9777917.

ClinVar aggregate classification (germline): Uncertain significance. Review status: criteria provided, multiple submitters, no conflicts (2 of 4 stars). 3 submissions from 3 submitters: Uncertain significance (3). Last evaluated 2024-09-21.

Conditions:
Congenital dyserythropoietic anemia, type II (CDAN2). Also called: DYSERYTHROPOIETIC ANEMIA, HEMPAS TYPE. Identifiers: Orphanet 98873, MedGen C1306589, MONDO:0009134, OMIM 224100.
Cowden syndrome 7 (CWS7). Identifiers: Orphanet 201, MedGen C4225179, MONDO:0014802, OMIM 616858.

Allele frequency attached by ClinVar (database versions not stated): ExAC 0.00002; gnomAD exomes 0.00002; TOPMed 0.00004; gnomAD 0.00005.
gnomAD v4.1: 35 of 1,613,990 alleles (0.0022%); highest among the groups gnomAD compares: Middle Eastern, 0.033%; no homozygotes.

Submissions (3):

Revvity Omics, Revvity
Classification: Uncertain significance. Last evaluated: 2024-09-21. Review status: criteria provided, single submitter. Criteria: ACMG Guidelines, 2015. Collection method: clinical testing. Allele origin: germline.

Labcorp Genetics (formerly Invitae), Labcorp
Classification: Uncertain significance for Congenital dyserythropoietic anemia, type II; Cowden syndrome 7. Last evaluated: 2021-12-21. Review status: criteria provided, single submitter. Criteria: Invitae Variant Classification Sherloc (09022015). Collection method: clinical testing. Allele origin: germline.
Comment: This sequence change replaces arginine, which is basic and polar, with tryptophan, which is neutral and slightly polar, at codon 28 of the SEC23B protein (p.Arg28Trp). This variant is present in population databases (rs759146033, gnomAD 0.008%). This variant has not been reported in the literature in individuals affected with SEC23B-related conditions. ClinVar contains an entry for this variant (Variation ID: 993624). Algorithms developed to predict the effect of missense changes on protein structure and function (SIFT, PolyPhen-2, Align-GVGD) all suggest that this variant is likely to be disruptive. In summary, the available evidence is currently insufficient to determine the role of this variant in disease. Therefore, it has been classified as a Variant of Uncertain Significance.

ARUP Laboratories, Molecular Genetics and Genomics, ARUP Laboratories
Classification: Uncertain significance. Last evaluated: 2020-04-03. Review status: criteria provided, single submitter. Criteria: ARUP Molecular Germline Variant Investigation Process. Collection method: clinical testing. Allele origin: germline.